The following is an entry in ClinVar:

ClinVar aggregate classification (germline): Uncertain significance (1 of 4 stars; one submission).

Allele frequency attached by ClinVar (database versions not stated): TOPMed 0.00001; ExAC 0.00004; 1000 Genomes Project 30x 0.00016; 1000 Genomes Project 0.00020.
gnomAD v4.1: 78 of 1,613,124 alleles (0.0048%); highest among the groups gnomAD compares: East Asian, 0.11%; no homozygotes.

Submission:

Labcorp Genetics (formerly Invitae), Labcorp
Classification: Uncertain significance. Last evaluated: 2024-04-15. Review status: criteria provided, single submitter. Criteria: Invitae Variant Classification Sherloc (09022015). Collection method: clinical testing. Allele origin: germline.
Comment: This sequence change replaces arginine, which is basic and polar, with glutamine, which is neutral and polar, at codon 831 of the FBN3 protein (p.Arg831Gln). This variant is present in population databases (rs199802251, gnomAD 0.02%). This variant has not been reported in the literature in individuals affected with FBN3-related conditions. ClinVar contains an entry for this variant (Variation ID: 1911601). Advanced modeling of protein sequence and biophysical properties (such as structural, functional, and spatial information, amino acid conservation, physicochemical variation, residue mobility, and thermodynamic stability) performed at Invitae indicates that this missense variant is not expected to disrupt FBN3 protein function with a negative predictive value of 80%. In summary, the available evidence is currently insufficient to determine the role of this variant in disease. Therefore, it has been classified as a Variant of Uncertain Significance.

NM_032447.5(FBN3):c.2492G>A (p.Arg831Gln)

Gene: FBN3 (fibrillin 3; minus strand). Cytogenetic location: 19p13.2.
Variant type: single nucleotide variant.
Coding change: c.2492G>A on transcript NM_032447.5 (MANE Select); coding-DNA position 2492, G replaced by A.
Protein change: p.Arg831Gln; replaces arginine 831 with glutamine.
Molecular consequence: missense variant.
Genome position (GRCh38, 1-based): chr19:8,126,530, C>T on the plus strand (G>A on the coding strand, the complement: FBN3 is on the minus strand). VCF-style: chr19-8126530-C-T. GRCh37 (hg19) VCF-style: chr19-8191414-C-T.
Other names: c.2492G>A, p.Arg831Gln (NM_001321431.2); short protein forms R831Q.
Identifiers: ClinVar variation 1911601 (VCV001911601.5), dbSNP rs199802251, ClinGen allele CA9152869.